The following is an entry in ClinVar:

NM_003839.4(TNFRSF11A):c.803G>T (p.Cys268Phe)

Gene: TNFRSF11A (TNF receptor superfamily member 11a; plus strand). Cytogenetic location: 18q21.33.
Variant type: single nucleotide variant.
Coding change: c.803G>T on transcript NM_003839.4 (MANE Select); coding-DNA position 803, G replaced by T.
Protein change: p.Cys268Phe; replaces cysteine 268 with phenylalanine.
Molecular consequence: missense variant. On other transcripts: intron variant (3).
Genome position (GRCh38, 1-based): chr18:62,368,720, G>T. VCF-style: chr18-62368720-G-T. GRCh37 (hg19) VCF-style: chr18-60035953-G-T.
Other names: c.783+1960G>T (NM_001270949.2); c.730+6927G>T (NM_001270950.2); c.616+8671G>T (NM_001270951.2); c.761G>T, p.Cys254Phe (NM_001278268.2); short protein forms C268F, C254F.
Identifiers: ClinVar variation 2800294 (VCV002800294.3), dbSNP rs141157565, ClinGen allele CA8983870.
Genomic context (GRCh38, chr18:62,368,720, plus strand): 5'-CTAGGTATTAATGCCTCTGCCTTCTGAATGTAAATCGGCAGGAGTCCTCAGGTGACAGTT[G>T]TGTCAGTACACACACGGCAAACTTTGGTCAGCAGGGAGCATGTGAAGGTGTCTTACTGCT-3'
Protein context (NP_003830.1, residues 258-278): SGDKESSGDS[Cys268Phe]VSTHTANFGQ

ClinVar aggregate classification (germline): Uncertain significance (1 of 4 stars; one submission).

Allele frequency attached by ClinVar (database versions not stated): gnomAD exomes below 0.00001; ExAC 0.00001; gnomAD 0.00001; TOPMed 0.00001; ESP Exome Variant Server 0.00008.
gnomAD v4.1: 3 of 1,614,132 alleles (0.00019%); highest among the groups gnomAD compares: African/African-American, 0.004%; no homozygotes.

Submission:

Labcorp Genetics (formerly Invitae), Labcorp
Classification: Uncertain significance. Last evaluated: 2023-11-04. Review status: criteria provided, single submitter. Criteria: Invitae Variant Classification Sherloc (09022015). Collection method: clinical testing. Allele origin: germline.
Comment: This sequence change replaces cysteine, which is neutral and slightly polar, with phenylalanine, which is neutral and non-polar, at codon 268 of the TNFRSF11A protein (p.Cys268Phe). This variant is present in population databases (rs141157565, gnomAD 0.008%). This variant has not been reported in the literature in individuals affected with TNFRSF11A-related conditions. Algorithms developed to predict the effect of missense changes on protein structure and function output the following: SIFT: "Not Available"; PolyPhen-2: "Benign"; Align-GVGD: "Not Available". The phenylalanine amino acid residue is found in multiple mammalian species, which suggests that this missense change does not adversely affect protein function. In summary, the available evidence is currently insufficient to determine the role of this variant in disease. Therefore, it has been classified as a Variant of Uncertain Significance.